The following is an entry in ClinVar:

ClinVar aggregate classification (germline): Uncertain significance (1 of 4 stars; one submission).

Conditions:
LRRC45-related disorder. Also called: LRRC45-related condition.

gnomAD v4.1: 9 of 1,566,388 alleles (0.00057%); highest among the groups gnomAD compares: Non-Finnish European, 0.00069%; no homozygotes.

Submission:

PreventionGenetics, part of Exact Sciences
Classification: Uncertain significance for LRRC45-related condition. Last evaluated: 2025-01-05. Review status: criteria provided, single submitter. Criteria: ACMG Guidelines, 2015. Collection method: clinical testing. Allele origin: germline.
Comment: The LRRC45 c.1494+1G>A variant is predicted to disrupt the GT donor site and interfere with normal splicing. To our knowledge, this variant has not been reported in the literature. This variant is reported in 0.011% of alleles in individuals of African descent in gnomAD. At this time, the clinical significance of this variant is uncertain due to the absence of conclusive functional and genetic evidence.

NM_144999.4(LRRC45):c.1494+1G>A

Gene: LRRC45 (leucine rich repeat containing 45; plus strand). Cytogenetic location: 17q25.3.
Variant type: single nucleotide variant.
Coding change: c.1494+1G>A on transcript NM_144999.4 (MANE Select); the canonical splice donor site of the intron after coding-DNA position 1494, G replaced by A.
Molecular consequence: splice donor variant.
Genome position (GRCh38, 1-based): chr17:82,029,636, G>A. VCF-style: chr17-82029636-G-A. GRCh37 (hg19) VCF-style: chr17-79987512-G-A.
Identifiers: ClinVar variation 4982767 (VCV004982767.1).
Genomic context (GRCh38, chr17:82,029,636, plus strand): 5'-GAGCGTGGCCAGGCTGAGGAGGAGCTGATCAAGGCCAAGAGCCAGGCCCGCCTGGAGGAG[G>A]TGAGCCACACATGTCCGCCACCCTCCGGGGGAGCCAGGCTGCCCGGCATTGCGGCCCGCA-3'